The following is an entry in ClinVar:

NM_000059.4(BRCA2):c.9567C>G (p.Pro3189=)

Gene: BRCA2 (BRCA2 DNA repair associated; plus strand). Cytogenetic location: 13q13.1.
Variant type: single nucleotide variant.
Coding change: c.9567C>G on transcript NM_000059.4 (MANE Select); coding-DNA position 9567, C replaced by G.
Protein change: p.Pro3189=; no amino-acid change (proline 3189 retained).
Molecular consequence: synonymous variant.
Genome position (GRCh38, 1-based): chr13:32,396,963, C>G. VCF-style: chr13-32396963-C-G. GRCh37 (hg19) VCF-style: chr13-32971100-C-G.
Identifiers: ClinVar variation 185216 (VCV000185216.25), dbSNP rs786202006, ClinGen allele CA026212.
Genomic context (GRCh38, chr13:32,396,963, plus strand): 5'-TGACATACTTTGCAATGAAGCAGAAAACAAGCTTATGCATATACTGCATGCAAATGATCC[C>G]AAGTGGTCCACCCCAACTAAAGACTGTACTTCAGGGCCGTACACTGCTCAAATCATTCCT-3'
Protein context (NP_000050.3, residues 3179-3199): KLMHILHAND[Pro3189=]KWSTPTKDCT

ClinVar aggregate classification (germline): Likely benign. Review status: reviewed by expert panel (3 of 4 stars). 10 submissions from 10 submitters: Likely benign (1). 9 of the submissions do not count toward it. Last evaluated 2017-06-29.

Conditions:
Hereditary cancer-predisposing syndrome. Also called: Tumor predisposition; Neoplastic Syndromes, Hereditary; Hereditary neoplastic syndrome; Hereditary Cancer Syndrome. Identifiers: Orphanet 140162, MedGen C0027672, MeSH D009386, MONDO:0015356.
Hereditary breast ovarian cancer syndrome. Also called: Hereditary breast and ovarian cancer syndrome; Hereditary breast and ovarian cancer syndrome (HBOC); Hereditary breast and ovarian cancer; Breast and ovarian cancer; BRCA1- and BRCA2-Associated Hereditary Breast and Ovarian Cancer; Hereditary breast and/or ovarian cancer syndrome. Identifiers: Orphanet 145, MedGen C0677776, MeSH D061325, MONDO:0003582. Disease mechanism: loss of function.
Breast-ovarian cancer, familial, susceptibility to, 2 (BROVCA2). Also called: BRCA2 Hereditary Breast and Ovarian Cancer. Identifiers: Orphanet 145, MedGen C2675520, MONDO:0012933, OMIM 612555. Disease mechanism: loss of function.

Allele frequency attached by ClinVar (database versions not stated): gnomAD exomes below 0.00001.
gnomAD v4.1: 3 of 1,613,954 alleles (0.00019%); highest among the groups gnomAD compares: Non-Finnish European, 0.00017%; no homozygotes.

Submissions (10):

Evidence-based Network for the Interpretation of Germline Mutant Alleles (ENIGMA)
Classification: Likely benign for Breast-ovarian cancer, familial, susceptibility to, 2. Last evaluated: 2017-06-29. Review status: reviewed by expert panel. Criteria: ENIGMA BRCA1/2 Classification Criteria (2017-06-29). Collection method: curation. Allele origin: germline.
Comment: Synonymous substitution variant, with low bioinformatic likelihood to result in a splicing aberration (Splicing prior probability 0.02).

Labcorp Genetics (formerly Invitae), Labcorp
Classification: Likely benign for Hereditary breast ovarian cancer syndrome. Last evaluated: 2025-08-11. Review status: criteria provided, single submitter. Criteria: Invitae Variant Classification Sherloc (09022015). Collection method: clinical testing. Allele origin: germline. Not counted in ClinVar's aggregate classification.

All of Us Research Program, National Institutes of Health
Classification: Likely benign for Breast-ovarian cancer, familial, susceptibility to, 2. Last evaluated: 2024-01-11. Review status: criteria provided, single submitter. Criteria: ACMG Guidelines, 2015. Collection method: clinical testing. Allele origin: germline. Inheritance: Autosomal dominant inheritance. Observed: 1 variant allele, 1 heterozygote. Not counted in ClinVar's aggregate classification.
Comment: This study involves interpretation of variants in research participants for the purpose of population health screening. Participant phenotype was not available at the time of variant classification. Additional details can be found in publication PMID: 35346344, PMCID: PMC8962531

Blueprint Genetics
Classification: Likely benign. Last evaluated: 2023-11-27. Review status: criteria provided, single submitter. Criteria: ACMG Guidelines, 2015. Collection method: clinical testing. Allele origin: germline. Not counted in ClinVar's aggregate classification.

Women's Health and Genetics/Laboratory Corporation of America, LabCorp
Classification: Likely benign. Last evaluated: 2023-06-15. Review status: criteria provided, single submitter. Criteria: LabCorp Variant Classification Summary - May 2015. Collection method: clinical testing. Allele origin: germline. Not counted in ClinVar's aggregate classification.

Sema4
Classification: Likely benign for Hereditary cancer-predisposing syndrome. Last evaluated: 2021-09-12. Review status: criteria provided, single submitter. Criteria: Sema4 Curation Guidelines. Collection method: curation. Allele origin: germline. Not counted in ClinVar's aggregate classification.

Color Diagnostics, LLC DBA Color Health
Classification: Likely benign for Hereditary cancer-predisposing syndrome. Last evaluated: 2019-10-02. Review status: criteria provided, single submitter. Criteria: ACMG Guidelines, 2015. Collection method: clinical testing. Allele origin: germline. Not counted in ClinVar's aggregate classification.

Quest Diagnostics Nichols Institute San Juan Capistrano
Classification: Likely benign. Last evaluated: 2019-08-30. Review status: criteria provided, single submitter. Criteria: Quest Diagnostics criteria. Collection method: clinical testing. Allele origin: unknown. Not counted in ClinVar's aggregate classification.

GeneDx
Classification: Likely benign. Last evaluated: 2018-04-23. Review status: criteria provided, single submitter. Criteria: GeneDx Variant Classification (06012015). Collection method: clinical testing. Allele origin: germline. Affected: yes. Not counted in ClinVar's aggregate classification.
Comment: This variant is considered likely benign or benign based on one or more of the following criteria: it is a conservative change, it occurs at a poorly conserved position in the protein, it is predicted to be benign by multiple in silico algorithms, and/or has population frequency not consistent with disease.

Ambry Genetics
Classification: Likely benign for Hereditary cancer-predisposing syndrome. Last evaluated: 2017-01-17. Review status: criteria provided, single submitter. Criteria: Ambry Variant Classification Scheme 2023. Collection method: clinical testing. Allele origin: germline. Not counted in ClinVar's aggregate classification.

Literature cited by the submitters: PubMed 22366370 (cited by 3 submitters).